The following is an entry in ClinVar:

NM_000277.3(PAH):c.1115_1116dup (p.Ala373fs)

Gene: PAH (phenylalanine hydroxylase; minus strand). Cytogenetic location: 12q23.2.
Variant type: Duplication.
Coding change: c.1115_1116dup on transcript NM_000277.3 (MANE Select); coding-DNA positions 1115 to 1116, 2 bases duplicated (CA; older notation c.1115_1116dupCA).
Protein change: p.Ala373fs; shifts the reading frame from alanine 373.
Molecular consequence: frameshift variant.
Genome position (GRCh38, 1-based): chr12:102,843,729-102,843,730, TG duplicated on the plus strand (CA on the coding strand, the reverse complement: PAH is on the minus strand); duplicating any 2 consecutive bases within chr12:102,843,729-102,843,731 gives the same sequence; the c. name uses the placement nearest the transcript's 3' end. VCF-style (leftmost placement, unchanged base first): chr12-102843728-C-CTG. GRCh37 (hg19) VCF-style: chr12-103237506-C-CTG.
Other names: c.1115_1116dup, p.Ala373fs (NM_001354304.2); short protein forms A373fs.
Identifiers: ClinVar variation 2760789 (VCV002760789.3), dbSNP rs2499614160, ClinGen allele CA2697551027.

ClinVar aggregate classification (germline): Pathogenic (1 of 4 stars; one submission).

Conditions:
Phenylketonuria (PKU). Also called: Phenylketonurias; FOLLING DISEASE; OLIGOPHRENIA PHENYLPYRUVICA; Phenylketonuria (PKU). Identifiers: Orphanet 716, MedGen C0031485, MONDO:0009861, OMIM 261600. Disease mechanism: loss of function.

Submission:

Labcorp Genetics (formerly Invitae), Labcorp
Classification: Pathogenic for Phenylketonuria. Last evaluated: 2023-09-15. Review status: criteria provided, single submitter. Criteria: Invitae Variant Classification Sherloc (09022015). Collection method: clinical testing. Allele origin: germline.
Comment: This sequence change creates a premature translational stop signal (p.Ala373Glnfs*28) in the PAH gene. It is expected to result in an absent or disrupted protein product. Loss-of-function variants in PAH are known to be pathogenic (PMID: 1301187, 9634518). This variant is not present in population databases (gnomAD no frequency). This variant has not been reported in the literature in individuals affected with PAH-related conditions. For these reasons, this variant has been classified as Pathogenic.

Literature cited by the submitters: PubMed 1301187; PubMed 9634518.